The following is an entry in ClinVar:

NM_015046.7(SETX):c.460C>T (p.Pro154Ser)

Gene: SETX (senataxin; minus strand). Cytogenetic location: 9q34.13.
Variant type: single nucleotide variant.
Coding change: c.460C>T on transcript NM_015046.7 (MANE Select); coding-DNA position 460, C replaced by T.
Protein change: p.Pro154Ser; replaces proline 154 with serine.
Molecular consequence: missense variant.
Genome position (GRCh38, 1-based): chr9:132,342,728, G>A on the plus strand (C>T on the coding strand, the complement: SETX is on the minus strand). VCF-style: chr9-132342728-G-A. GRCh37 (hg19) VCF-style: chr9-135218115-G-A.
Other names: c.460C>T, p.Pro154Ser (NM_001351527.2, NM_001351528.2); short protein forms P154S.
Identifiers: ClinVar variation 4853545 (VCV004853545.1).

ClinVar aggregate classification (germline): Uncertain significance (1 of 4 stars; one submission).

Submission:

Women's Health and Genetics/Laboratory Corporation of America, LabCorp
Classification: Uncertain significance. Last evaluated: 2026-05-05. Review status: criteria provided, single submitter. Criteria: LabCorp Variant Classification Summary - May 2015. Collection method: clinical testing. Allele origin: germline.
Comment: Variant summary: SETX c.460C>T (p.Pro154Ser) results in a non-conservative amino acid change in the encoded protein sequence. Algorithms developed to predict the effect of missense changes on protein structure and function all suggest that this variant is likely to be disruptive. The variant was absent in 251390 control chromosomes. The available data on variant occurrences in the general population are insufficient to allow any conclusion about variant significance. To our knowledge, no occurrence of c.460C>T in individuals affected with SETX-related conditions and no experimental evidence demonstrating its impact on protein function have been reported. No submitters have cited clinical-significance assessments for this variant to ClinVar. Based on the evidence outlined above, the variant was classified as uncertain significance.